The following is an entry in ClinVar:

ClinVar aggregate classification (germline): Uncertain significance (1 of 4 stars; one submission).

Submission:

Labcorp Genetics (formerly Invitae), Labcorp
Classification: Uncertain significance. Last evaluated: 2025-03-06. Review status: criteria provided, single submitter. Criteria: Invitae Variant Classification Sherloc (09022015). Collection method: clinical testing. Allele origin: germline.
Comment: This sequence change replaces glutamine, which is neutral and polar, with lysine, which is basic and polar, at codon 513 of the COL9A2 protein (p.Gln513Lys). This variant is not present in population databases (gnomAD no frequency). This variant has not been reported in the literature in individuals affected with COL9A2-related conditions. Invitae Evidence Modeling of protein sequence and biophysical properties (such as structural, functional, and spatial information, amino acid conservation, physicochemical variation, residue mobility, and thermodynamic stability) indicates that this missense variant is not expected to disrupt COL9A2 protein function with a negative predictive value of 95%. In summary, the available evidence is currently insufficient to determine the role of this variant in disease. Therefore, it has been classified as a Variant of Uncertain Significance.

NM_001852.4(COL9A2):c.1537C>A (p.Gln513Lys)

Gene: COL9A2 (collagen type IX alpha 2 chain; minus strand). Cytogenetic location: 1p34.2.
Variant type: single nucleotide variant.
Coding change: c.1537C>A on transcript NM_001852.4 (MANE Select); coding-DNA position 1537, C replaced by A.
Protein change: p.Gln513Lys; replaces glutamine 513 with lysine.
Molecular consequence: missense variant.
Genome position (GRCh38, 1-based): chr1:40,303,541, G>T on the plus strand (C>A on the coding strand, the complement: COL9A2 is on the minus strand). VCF-style: chr1-40303541-G-T. GRCh37 (hg19) VCF-style: chr1-40769213-G-T.
Other names: short protein forms Q513K.
Identifiers: ClinVar variation 4799881 (VCV004799881.1).